The following is an entry in ClinVar:

ClinVar aggregate classification (germline): Uncertain significance (1 of 4 stars; one submission).

Conditions:
Hereditary cancer-predisposing syndrome. Also called: Hereditary Cancer Syndrome; Tumor predisposition; Hereditary neoplastic syndrome; Neoplastic Syndromes, Hereditary. Identifiers: Orphanet 140162, MedGen C0027672, MeSH D009386, MONDO:0015356.

gnomAD v4.1: 3 of 1,614,186 alleles (0.00019%); highest among the groups gnomAD compares: South Asian, 0.0022%; no homozygotes.

Submission:

Ambry Genetics
Classification: Uncertain significance for Hereditary cancer-predisposing syndrome. Last evaluated: 2024-11-23. Review status: criteria provided, single submitter. Criteria: Ambry Variant Classification Scheme 2023. Collection method: clinical testing. Allele origin: germline.
Comment: The p.K533R variant (also known as c.1598A>G), located in coding exon 15 of the NF2 gene, results from an A to G substitution at nucleotide position 1598. The lysine at codon 533 is replaced by arginine, an amino acid with highly similar properties. This amino acid position is conserved. In addition, this alteration is predicted to be tolerated by in silico analysis. Based on the available evidence, the clinical significance of this variant remains unclear.

NM_000268.4(NF2):c.1598A>G (p.Lys533Arg)

Gene: NF2 (NF2, moesin-ezrin-radixin like (MERLIN) tumor suppressor; plus strand). Cytogenetic location: 22q12.2.
Variant type: single nucleotide variant.
Coding change: c.1598A>G on transcript NM_000268.4 (MANE Select); coding-DNA position 1598, A replaced by G.
Protein change: p.Lys533Arg; replaces lysine 533 with arginine.
Molecular consequence: missense variant. On other transcripts: intron variant (3).
Genome position (GRCh38, 1-based): chr22:29,681,462, A>G. VCF-style: chr22-29681462-A-G. GRCh37 (hg19) VCF-style: chr22-30077451-A-G.
Other names: c.1484A>G, p.Lys495Arg (NM_001407053.1, NM_001407056.1); c.1475A>G, p.Lys492Arg (NM_001407054.1, NM_001407058.1, NM_181829.3); c.1472A>G, p.Lys491Arg (NM_001407055.1, NM_181828.3); c.1463A>G, p.Lys488Arg (NM_001407057.1, NM_001407059.1); c.1340A>G, p.Lys447Arg (NM_001407062.1); c.1349A>G, p.Lys450Arg (NM_001407063.1, NM_181830.3, NM_181831.3); c.1064A>G, p.Lys355Arg (NM_001407065.1); c.1598A>G, p.Lys533Arg (NM_001407066.1, NM_016418.5, NM_181825.3 and 1 more transcripts); and 4 more; short protein forms K355R, K491R, K447R, K492R, K456R, K495R, K450R, K488R.
Identifiers: ClinVar variation 3404967 (VCV003404967.1).